The following is an entry in ClinVar:

NM_004612.4(TGFBR1):c.203A>G (p.Asn68Ser)

Gene: TGFBR1 (transforming growth factor beta receptor 1; plus strand). Cytogenetic location: 9q22.33.
Variant type: single nucleotide variant.
Coding change: c.203A>G on transcript NM_004612.4 (MANE Select); coding-DNA position 203, A replaced by G.
Protein change: p.Asn68Ser; replaces asparagine 68 with serine.
Molecular consequence: missense variant.
Genome position (GRCh38, 1-based): chr9:99,128,960, A>G. VCF-style: chr9-99128960-A-G. GRCh37 (hg19) VCF-style: chr9-101891242-A-G.
Other names: c.203A>G, p.Asn68Ser (NM_001130916.3, NM_001306210.2); short protein forms N68S.
Identifiers: ClinVar variation 165383 (VCV000165383.9), dbSNP rs727503469, ClinGen allele CA008791.
Genomic context (GRCh38, chr9:99,128,960, plus strand): 5'-GTGTGACAGATGGGCTCTGCTTTGTCTCTGTCACAGAGACCACAGACAAAGTTATACACA[A>G]CAGCATGTGTATAGCTGAAATTGACTTAATTCCTCGAGATAGGCCGTTTGTATGTGCACC-3'
Protein context (NP_004603.1, residues 58-78): VTETTDKVIH[Asn68Ser]SMCIAEIDLI

ClinVar aggregate classification (germline): Uncertain significance. Review status: criteria provided, multiple submitters, no conflicts (2 of 4 stars). 3 submissions from 3 submitters: Uncertain significance (3). Last evaluated 2025-09-10.

Conditions:
Familial thoracic aortic aneurysm and aortic dissection (TAAD). Also called: Thoracic aortic aneurysms and dissections. Identifiers: Orphanet 91387, MedGen C4707243, MONDO:0019625.

Submissions (3):

Labcorp Genetics (formerly Invitae), Labcorp
Classification: Uncertain significance for Familial thoracic aortic aneurysm and aortic dissection. Last evaluated: 2025-09-10. Review status: criteria provided, single submitter. Criteria: Invitae Variant Classification Sherloc (09022015). Collection method: clinical testing. Allele origin: germline.
Comment: This sequence change replaces asparagine, which is neutral and polar, with serine, which is neutral and polar, at codon 68 of the TGFBR1 protein (p.Asn68Ser). This variant is not present in population databases (gnomAD no frequency). This missense change has been observed in individual(s) with thoracic aortic aneurysm and dissection (PMID: 24793577). ClinVar contains an entry for this variant (Variation ID: 165383). Invitae Evidence Modeling of protein sequence and biophysical properties (such as structural, functional, and spatial information, amino acid conservation, physicochemical variation, residue mobility, and thermodynamic stability) indicates that this missense variant is not expected to disrupt TGFBR1 protein function with a negative predictive value of 95%. In summary, the available evidence is currently insufficient to determine the role of this variant in disease. Therefore, it has been classified as a Variant of Uncertain Significance.

Color Diagnostics, LLC DBA Color Health
Classification: Uncertain significance for Familial thoracic aortic aneurysm and aortic dissection. Last evaluated: 2025-07-15. Review status: criteria provided, single submitter. Criteria: ACMG Guidelines, 2015. Collection method: clinical testing. Allele origin: germline.
Comment: This missense variant replaces asparagine with serine at codon 68 of the TGFBR1 protein. Computational prediction suggests that this variant may not impact protein structure and function. To our knowledge, functional studies have not been reported for this variant. This variant has been reported in an individual affected with thoracic aortic aneurysm and dissection (PMID: 24793577). This variant has not been identified in the general population by the Genome Aggregation Database (gnomAD). The available evidence is insufficient to determine the role of this variant in disease conclusively. Therefore, this variant is classified as a Variant of Uncertain Significance.

Laboratory for Molecular Medicine, Mass General Brigham Personalized Medicine
Classification: Uncertain significance. Last evaluated: 2009-02-24. Review status: criteria provided, single submitter. Criteria: LMM Criteria. Collection method: clinical testing. Allele origin: germline. Observed: 1 variant allele.

Literature cited by the submitters: PubMed 24793577 (cited by Labcorp Genetics (formerly Invitae), Labcorp and Color Diagnostics, LLC DBA Color Health).